The following is an entry in ClinVar:

NC_000017.10:g.(?_5442715)_(5445367_?)del

Gene: NLRP1 (NLR family pyrin domain containing 1; minus strand). Cytogenetic location: 17p13.2.
Variant type: Deletion.
Identifiers: ClinVar variation 2427089 (VCV002427089.4).

ClinVar aggregate classification (germline): Uncertain significance (1 of 4 stars; one submission).

Submission:

Labcorp Genetics (formerly Invitae), Labcorp
Classification: Uncertain significance. Last evaluated: 2022-01-15. Review status: criteria provided, single submitter. Criteria: Invitae Variant Classification Sherloc (09022015). Collection method: clinical testing. Allele origin: germline.
Comment: In summary, the available evidence is currently insufficient to determine the role of this variant in disease. Therefore, it has been classified as a Variant of Uncertain Significance. Experimental studies and prediction algorithms are not available or were not evaluated, and the functional significance of this variant is currently unknown. This variant has not been reported in the literature in individuals affected with NLRP1-related conditions. This variant is a gross deletion of the genomic region encompassing exon(s) 6-7 of the NLRP1 gene. This variant would be expected to be in-frame, preserving the integrity of the reading frame.